The following is an entry in ClinVar:

NM_001128840.3(CACNA1D):c.6289G>A (p.Asp2097Asn)

Gene: CACNA1D (calcium voltage-gated channel subunit alpha1 D; plus strand). Cytogenetic location: 3p21.1.
Variant type: single nucleotide variant.
Coding change: c.6289G>A on transcript NM_001128840.3 (MANE Select); coding-DNA position 6289, G replaced by A.
Protein change: p.Asp2097Asn; replaces aspartic acid 2097 with asparagine.
Molecular consequence: missense variant.
Genome position (GRCh38, 1-based): chr3:53,811,209, G>A. VCF-style: chr3-53811209-G-A. GRCh37 (hg19) VCF-style: chr3-53845236-G-A.
Other names: c.6349G>A, p.Asp2117Asn (NM_000720.4); c.6217G>A, p.Asp2073Asn (NM_001128839.3); short protein forms D2117N, D2097N, D2073N.
Identifiers: ClinVar variation 504751 (VCV000504751.7), dbSNP rs41276455, ClinGen allele CA2455418.
Genomic context (GRCh38, chr3:53,811,209, plus strand): 5'-GACCCAAAATTTGTGTCAGCAACAAAACACGAAATCGCTGATGCCTGTGACCTCACCATC[G>A]ACGAGATGGAGAGTGCAGCCAGCACCCTGCTTAATGGGAACGTGCGTCCCCGAGCCAACG-3'
Protein context (NP_001122312.1, residues 2087-2107): EIADACDLTI[Asp2097Asn]EMESAASTLL

ClinVar aggregate classification (germline): Uncertain significance. Review status: criteria provided, multiple submitters, no conflicts (2 of 4 stars). 4 submissions from 4 submitters: Uncertain significance (4). Last evaluated 2024-06-20.

Allele frequency attached by ClinVar (database versions not stated): TOPMed below 0.00001; gnomAD 0.00001; ExAC 0.00002; gnomAD exomes 0.00002; 1000 Genomes Project 0.00040; 1000 Genomes Project 30x 0.00062.
gnomAD v4.1: 21 of 1,613,768 alleles (0.0013%); highest among the groups gnomAD compares: Non-Finnish European, 0.0017%; no homozygotes.

Submissions (4):

Labcorp Genetics (formerly Invitae), Labcorp
Classification: Uncertain significance. Last evaluated: 2024-06-20. Review status: criteria provided, single submitter. Criteria: Invitae Variant Classification Sherloc (09022015). Collection method: clinical testing. Allele origin: germline.
Comment: This sequence change replaces aspartic acid, which is acidic and polar, with asparagine, which is neutral and polar, at codon 2117 of the CACNA1D protein (p.Asp2117Asn). This variant is present in population databases (rs41276455, gnomAD 0.004%). This variant has not been reported in the literature in individuals affected with CACNA1D-related conditions. ClinVar contains an entry for this variant (Variation ID: 504751). An algorithm developed to predict the effect of missense changes on protein structure and function (PolyPhen-2) suggests that this variant is likely to be disruptive. In summary, the available evidence is currently insufficient to determine the role of this variant in disease. Therefore, it has been classified as a Variant of Uncertain Significance.

Blueprint Genetics
Classification: Uncertain significance. Last evaluated: 2022-01-05. Review status: criteria provided, single submitter. Criteria: ACMG Guidelines, 2015. Collection method: clinical testing. Allele origin: germline.

Laboratory for Molecular Medicine, Mass General Brigham Personalized Medicine
Classification: Uncertain significance. Last evaluated: 2017-07-05. Review status: criteria provided, single submitter. Criteria: LMM Criteria. Collection method: clinical testing. Allele origin: germline. Observed: 1 variant allele.
Comment: The p.Asp2117Asn variant in CACNA1D has not been previously reported in individu als with hearing loss, but has been identified in 4/111704 European chromosomes by the Genome Aggregation Database (gnomAD; d bSNP rs41276455). Although this variant has been seen in the general population, its frequency is not high enough to rule out a pathogenic role. Computational p rediction tools and conservation analyses do not provide strong support for or a gainst an impact to the protein. In summary, the clinical significance of the p. Asp2117Asn variant is uncertain.

Breakthrough Genomics
Classification: Uncertain significance. Review status: criteria provided, single submitter. Criteria: ACMG Guidelines, 2015. Collection method: not provided. Allele origin: germline. Inheritance: Autosomal recessive inheritance. Affected: yes.